The following is an entry in ClinVar:

ClinVar aggregate classification (germline): Uncertain significance (1 of 4 stars; one submission).

Submission:

CeGaT Center for Human Genetics Tuebingen
Classification: Uncertain significance. Last evaluated: 2024-05-01. Review status: criteria provided, single submitter. Criteria: CeGaT Center For Human Genetics Tuebingen Variant Classification Criteria Version 2. Collection method: clinical testing. Allele origin: germline. Affected: yes. Observed: 1 variant allele.
Comment: TMLHE: PM2

NM_018196.4(TMLHE):c.590C>A (p.Pro197His)

Gene: TMLHE (trimethyllysine hydroxylase, epsilon; minus strand). Cytogenetic location: Xq28.
Variant type: single nucleotide variant.
Coding change: c.590C>A on transcript NM_018196.4 (MANE Select); coding-DNA position 590, C replaced by A.
Protein change: p.Pro197His; replaces proline 197 with histidine.
Molecular consequence: missense variant.
Genome position (GRCh38, 1-based): chrX:155,514,034, G>T on the plus strand (C>A on the coding strand, the complement: TMLHE is on the minus strand). VCF-style: chrX-155514034-G-T. GRCh37 (hg19) VCF-style: chrX-154743695-G-T.
Other names: c.590C>A, p.Pro197His (NM_001184797.2); short protein forms P197H.
Identifiers: ClinVar variation 3239444 (VCV003239444.19), dbSNP rs1557334292.